The following is an entry in ClinVar:

NM_177438.3(DICER1):c.3641C>G (p.Thr1214Ser)

Gene: DICER1 (dicer 1, ribonuclease III; minus strand). Cytogenetic location: 14q32.13.
Variant type: single nucleotide variant.
Coding change: c.3641C>G on transcript NM_177438.3 (MANE Select); coding-DNA position 3641, C replaced by G.
Protein change: p.Thr1214Ser; replaces threonine 1214 with serine.
Molecular consequence: missense variant. On other transcripts: non-coding transcript variant (6).
Genome position (GRCh38, 1-based): chr14:95,103,755, G>C on the plus strand (C>G on the coding strand, the complement: DICER1 is on the minus strand). VCF-style: chr14-95103755-G-C. GRCh37 (hg19) VCF-style: chr14-95570092-G-C.
Other names: c.3641C>G, p.Thr1214Ser (NM_001195573.1, NM_001271282.3, NM_001291628.2 and 13 more transcripts); c.3359C>G, p.Thr1120Ser (NM_001395686.1); c.3236C>G, p.Thr1079Ser (NM_001395687.1, NM_001395688.1, NM_001395689.1 and 2 more transcripts); c.3074C>G, p.Thr1025Ser (NM_001395691.1); c.1958C>G, p.Thr653Ser (NM_001395697.1); short protein forms T1120S, T1079S, T1214S, T1025S, T653S.
Identifiers: ClinVar variation 1967005 (VCV001967005.5), dbSNP rs769277842, ClinGen allele CA390874567.

ClinVar aggregate classification (germline): Uncertain significance (1 of 4 stars; one submission).

Conditions:
DICER1-related tumor predisposition. Also called: DICER1 syndrome; DICER1-related pleuropulmonary blastoma cancer predisposition syndrome. Identifiers: Orphanet 284343, MedGen C3839822, MONDO:0100216.

Submission:

Labcorp Genetics (formerly Invitae), Labcorp
Classification: Uncertain significance for DICER1-related tumor predisposition. Last evaluated: 2022-03-09. Review status: criteria provided, single submitter. Criteria: Invitae Variant Classification Sherloc (09022015). Collection method: clinical testing. Allele origin: germline.
Comment: In summary, the available evidence is currently insufficient to determine the role of this variant in disease. Therefore, it has been classified as a Variant of Uncertain Significance. Algorithms developed to predict the effect of missense changes on protein structure and function (SIFT, PolyPhen-2, Align-GVGD) all suggest that this variant is likely to be tolerated. This variant has not been reported in the literature in individuals affected with DICER1-related conditions. This variant is not present in population databases (gnomAD no frequency). This sequence change replaces threonine, which is neutral and polar, with serine, which is neutral and polar, at codon 1214 of the DICER1 protein (p.Thr1214Ser).